The following is an entry in ClinVar:

ClinVar aggregate classification (germline): Pathogenic/Likely pathogenic. Review status: criteria provided, multiple submitters, no conflicts (2 of 4 stars). 3 submissions from 3 submitters: Pathogenic (2); Likely pathogenic (1). Last evaluated 2024-02-11.

Conditions:
Glutaric aciduria, type 1. Also called: GA I; Glutaricacidemia Type 1; Glutaricaciduria, type I; Glutaric Acidemia Type 1; Glutaryl-CoA dehydrogenase deficiency; Glutaric acidemia type I. Identifiers: Orphanet 25, MedGen C0268595, MONDO:0009281, OMIM 231670.

Allele frequency attached by ClinVar (database versions not stated): ExAC 0.00002.

Submissions (3):

Labcorp Genetics (formerly Invitae), Labcorp
Classification: Pathogenic for Glutaric aciduria, type 1. Last evaluated: 2024-02-11. Review status: criteria provided, single submitter. Criteria: Invitae Variant Classification Sherloc (09022015). Collection method: clinical testing. Allele origin: germline.
Comment: This sequence change replaces arginine, which is basic and polar, with lysine, which is basic and polar, at codon 138 of the GCDH protein (p.Arg138Lys). This variant is not present in population databases (gnomAD no frequency). This missense change has been observed in individual(s) with glutaric acidemia (PMID: 10699052). ClinVar contains an entry for this variant (Variation ID: 964089). Advanced modeling of protein sequence and biophysical properties (such as structural, functional, and spatial information, amino acid conservation, physicochemical variation, residue mobility, and thermodynamic stability) performed at Invitae indicates that this missense variant is expected to disrupt GCDH protein function with a positive predictive value of 80%. For these reasons, this variant has been classified as Pathogenic.

Women's Health and Genetics/Laboratory Corporation of America, LabCorp
Classification: Likely pathogenic for Glutaric aciduria, type 1. Last evaluated: 2023-07-25. Review status: criteria provided, single submitter. Criteria: LabCorp Variant Classification Summary - May 2015. Collection method: clinical testing. Allele origin: germline.
Comment: Variant summary: GCDH c.413G>A (p.Arg138Lys) results in a conservative amino acid change located in the Acyl-CoA dehydrogenase/oxidase, N-terminal domain (IPR013786) of the encoded protein sequence. Four of five in-silico tools predict a damaging effect of the variant on protein function. The variant was absent in 251400 control chromosomes. c.413G>A has been reported in the literature in individuals affected with Glutaric Acidemia Type 1 (examples: Mushimoto_2011, Wang_2014, Zschocke_2000, Huishu_2021). These data indicate that the variant is likely to be associated with disease. To our knowledge, no experimental evidence demonstrating an impact on protein function has been reported. The following publications have been ascertained in the context of this evaluation (PMID: 34306040, 21176883, 24332224, 10699052). One submitter has cited clinical-significance assessments for this variant to ClinVar after 2014 and has classified the variant as likely pathogenic. Based on the evidence outlined above, the variant was classified as likely pathogenic.

Juno Genomics, Hangzhou Juno Genomics, Inc
Classification: Pathogenic for Glutaric aciduria, type 1. Review status: criteria provided, single submitter. Criteria: ACMG Guidelines, 2015. Collection method: clinical testing. Allele origin: germline.
Comment: Absent from controls (or at extremely low frequency if recessive) in Genome Aggregation Database.;Multiple lines of computational evidence support a deleterious effect on the gene or gene product.;For recessive disorders, detected in trans with a pathogenic variant.;Patient's phenotype or family history is highly specific for a disease with a single genetic etiology.

Literature cited by the submitters: PubMed 10699052 (cited by Labcorp Genetics (formerly Invitae), Labcorp and Women's Health and Genetics/Laboratory Corporation of America, LabCorp); PubMed 24332224 (cited by Women's Health and Genetics/Laboratory Corporation of America, LabCorp); PubMed 21176883 (cited by Women's Health and Genetics/Laboratory Corporation of America, LabCorp); PubMed 34306040 (cited by Women's Health and Genetics/Laboratory Corporation of America, LabCorp).

NM_000159.4(GCDH):c.413G>A (p.Arg138Lys)

Gene: GCDH (glutaryl-CoA dehydrogenase; plus strand). Cytogenetic location: 19p13.13.
Variant type: single nucleotide variant.
Coding change: c.413G>A on transcript NM_000159.4 (MANE Select); coding-DNA position 413, G replaced by A.
Protein change: p.Arg138Lys; replaces arginine 138 with lysine.
Molecular consequence: missense variant. On other transcripts: non-coding transcript variant (2).
Genome position (GRCh38, 1-based): chr19:12,893,561, G>A. VCF-style: chr19-12893561-G-A. GRCh37 (hg19) VCF-style: chr19-13004375-G-A.
Other names: c.413G>A, p.Arg138Lys (NM_013976.5); short protein forms R138K.
Identifiers: ClinVar variation 964089 (VCV000964089.11), dbSNP rs747370741, ClinGen allele CA9234385.
Genomic context (GRCh38, chr19:12,893,561, plus strand): 5'-TTTCGTCTGTGGCCTATGGGCTCCTGGCCCGAGAGCTGGAGCGGGTGGACAGTGGCTACA[G>A]GTCGGCGATGAGTGTCCAGTCCTCCCTCGTCATGCACCCTATCTATGCCTATGGCAGCGA-3'
Protein context (NP_000150.1, residues 128-148): RELERVDSGY[Arg138Lys]SAMSVQSSLV